The following is an entry in ClinVar:

NM_003560.4(PLA2G6):c.1349-2A>G

Gene: PLA2G6 (phospholipase A2 group VI; minus strand). Cytogenetic location: 22q13.1.
Variant type: single nucleotide variant.
Coding change: c.1349-2A>G on transcript NM_003560.4 (MANE Select); the canonical splice acceptor site of the intron before coding-DNA position 1349, A replaced by G.
Molecular consequence: splice acceptor variant.
Genome position (GRCh38, 1-based): chr22:38,126,451, T>C on the plus strand (A>G on the coding strand, the complement: PLA2G6 is on the minus strand). VCF-style: chr22-38126451-T-C. GRCh37 (hg19) VCF-style: chr22-38522458-T-C.
Other names: c.671-2A>G (NM_001349868.2); c.1187-2A>G (NM_001349866.2, NM_001199562.3, NM_001349865.2 and 1 more transcripts); c.653-2A>G (NM_001349869.2); c.815-2A>G (NM_001349867.2); c.1349-2A>G (NM_001349864.2).
Identifiers: ClinVar variation 211909 (VCV000211909.13), dbSNP rs797045888, ClinGen allele CA277467.

ClinVar aggregate classification (germline): Pathogenic/Likely pathogenic. Review status: criteria provided, multiple submitters, no conflicts (2 of 4 stars). 3 submissions from 3 submitters: Pathogenic (1); Likely pathogenic (2). Last evaluated 2023-09-20.

Conditions:
Infantile neuroaxonal dystrophy (NBIA2A). Also called: SEITELBERGER DISEASE; Infantile neuroaxonal dystrophy 1; NEURODEGENERATION WITH BRAIN IRON ACCUMULATION 2A. Identifiers: Orphanet 35069, MedGen C0270724, MONDO:0024457, OMIM 256600.
Neurodegeneration with brain iron accumulation 2B. Also called: NEUROAXONAL DYSTROPHY, ATYPICAL; NEURODEGENERATION WITH BRAIN IRON ACCUMULATION, PLA2G6-RELATED; aNAD; atypical Neuroaxonal Dystrophy (aNAD). Identifiers: Orphanet 35069, MedGen C1857747, MONDO:0012444, OMIM 610217.

Allele frequency attached by ClinVar (database versions not stated): gnomAD exomes below 0.00001; TOPMed below 0.00001.
gnomAD v4.1: 4 of 1,612,420 alleles (0.00025%); highest among the groups gnomAD compares: South Asian, 0.0011%; no homozygotes.

Submissions (3):

Labcorp Genetics (formerly Invitae), Labcorp
Classification: Likely pathogenic for Infantile neuroaxonal dystrophy. Last evaluated: 2023-09-20. Review status: criteria provided, single submitter. Criteria: Invitae Variant Classification Sherloc (09022015). Collection method: clinical testing. Allele origin: germline.
Comment: This variant is not present in population databases (gnomAD no frequency). This sequence change affects an acceptor splice site in intron 9 of the PLA2G6 gene. It is expected to disrupt RNA splicing. Variants that disrupt the donor or acceptor splice site typically lead to a loss of protein function (PMID: 16199547), and loss-of-function variants in PLA2G6 are known to be pathogenic (PMID: 16783378, 18570303, 18799783, 22213678). ClinVar contains an entry for this variant (Variation ID: 211909). Algorithms developed to predict the effect of sequence changes on RNA splicing suggest that this variant may disrupt the consensus splice site. In summary, the currently available evidence indicates that the variant is pathogenic, but additional data are needed to prove that conclusively. Therefore, this variant has been classified as Likely Pathogenic. This variant has not been reported in the literature in individuals affected with PLA2G6-related conditions.

Revvity Omics, Revvity
Classification: Likely pathogenic. Last evaluated: 2021-10-01. Review status: criteria provided, single submitter. Criteria: ACMG Guidelines, 2015. Collection method: clinical testing. Allele origin: germline.

Genetic Services Laboratory, University of Chicago
Classification: Pathogenic for Neurodegeneration with brain iron accumulation 2B. Last evaluated: 2014-10-02. Review status: criteria provided, single submitter. Criteria: ACMG Guidelines, 2015. Collection method: clinical testing. Allele origin: germline. Affected: yes.

Literature cited by the submitters: PubMed 16199547 (cited by Labcorp Genetics (formerly Invitae), Labcorp); PubMed 16783378 (cited by Labcorp Genetics (formerly Invitae), Labcorp); PubMed 18570303 (cited by Labcorp Genetics (formerly Invitae), Labcorp); PubMed 18799783 (cited by Labcorp Genetics (formerly Invitae), Labcorp); PubMed 22213678 (cited by Labcorp Genetics (formerly Invitae), Labcorp).